The following is an entry in ClinVar:

ClinVar aggregate classification (germline): Benign. Review status: criteria provided, multiple submitters, no conflicts (2 of 4 stars). 5 submissions from 3 submitters: Benign (5). Last evaluated 2021-05-13.

Conditions:
Andersen Tawil syndrome (LQT7). Also called: Potassium-sensitive periodic paralysis, ventricular ectopy, and dysmorphic features; ANDERSEN CARDIODYSRHYTHMIC PERIODIC PARALYSIS; LONG QT SYNDROME 7; PERIODIC PARALYSIS, POTASSIUM-SENSITIVE CARDIODYSRHYTHMIC TYPE; Andersen Syndrome. Identifiers: Orphanet 37553, MedGen C1563715, MONDO:0008222, OMIM 170390.
Atrial fibrillation, familial, 9 (ATFB9). Identifiers: MedGen C3151431, MONDO:0013513, OMIM 613980.
Short QT syndrome type 3. Identifiers: Orphanet 51083, MedGen C1865018, MONDO:0012314, OMIM 609622.

Allele frequency attached by ClinVar (database versions not stated): gnomAD exomes 0.00060; gnomAD 0.06679 and 0.07098; TOPMed 0.07922; 1000 Genomes Project 0.08007; 1000 Genomes Project 30x 0.08682.
gnomAD v4.1: 10,071 of 168,958 alleles (6%); highest among the groups gnomAD compares: African/African-American, 22%; 1,037 homozygotes.

Submissions (5):

GeneDx
Classification: Benign. Last evaluated: 2021-05-13. Review status: criteria provided, single submitter. Criteria: GeneDx Variant Classification Process June 2021. Collection method: clinical testing. Allele origin: germline. Affected: yes.

Illumina Laboratory Services, Illumina
Classification: Benign for Short QT syndrome type 3. Last evaluated: 2018-01-13. Review status: criteria provided, single submitter. Criteria: ICSL Variant Classification Criteria 13 December 2019. Collection method: clinical testing. Allele origin: germline.
Comment: This variant was observed in the ICSL laboratory as part of a predisposition screen in an ostensibly healthy population. It had not been previously curated by ICSL or reported in the Human Gene Mutation Database (HGMD: prior to June 1st, 2018), and was therefore a candidate for classification through an automated scoring system. Utilizing variant allele frequency, disease prevalence and penetrance estimates, and inheritance mode, an automated score was calculated to assess if this variant is too frequent to cause the disease. Based on the score and internal cut-off values, a variant classified as benign is not then subjected to further curation. The score for this variant resulted in a classification of benign for this disease.

Illumina Laboratory Services, Illumina
Classification: Benign for Andersen Tawil syndrome. Last evaluated: 2018-01-13. Review status: criteria provided, single submitter. Criteria: ICSL Variant Classification Criteria 13 December 2019. Collection method: clinical testing. Allele origin: germline.
Comment: the same text as in the submission from Illumina Laboratory Services, Illumina above.

Illumina Laboratory Services, Illumina
Classification: Benign for Atrial fibrillation, familial, 9. Last evaluated: 2018-01-13. Review status: criteria provided, single submitter. Criteria: ICSL Variant Classification Criteria 13 December 2019. Collection method: clinical testing. Allele origin: germline.
Comment: the same text as in the submission from Illumina Laboratory Services, Illumina above.

Breakthrough Genomics
Classification: Benign. Review status: criteria provided, single submitter. Criteria: ACMG Guidelines, 2015. Collection method: not provided. Allele origin: germline. Inheritance: Autosomal dominant inheritance. Affected: yes.

NM_000891.3(KCNJ2):c.*624G>A

Gene: KCNJ2 (potassium inwardly rectifying channel subfamily J member 2; plus strand). Cytogenetic location: 17q24.3.
Variant type: single nucleotide variant.
Coding change: c.*624G>A on transcript NM_000891.3 (MANE Select); 624 bases downstream of the stop codon, G replaced by A.
Molecular consequence: 3 prime UTR variant.
Genome position (GRCh38, 1-based): chr17:70,176,947, G>A. VCF-style: chr17-70176947-G-A. GRCh37 (hg19) VCF-style: chr17-68173088-G-A.
Identifiers: ClinVar variation 324842 (VCV000324842.7), dbSNP rs9302915, ClinGen allele CA10646619.